The following is an entry in ClinVar:

ClinVar aggregate classification (germline): Uncertain significance. Review status: criteria provided, multiple submitters, no conflicts (2 of 4 stars). 2 submissions from 2 submitters: Uncertain significance (2). Last evaluated 2025-08-29.

Conditions:
Benign neonatal seizures. Also called: Benign neonatal familial convulsions; Convulsions benign familial neonatal dominant form; Autosomal dominant form of benign neonatal seizures; Benign familial neonatal epilepsy; Benign familial neonatal seizures. Identifiers: Orphanet 1949, MedGen C0220669, MONDO:0016027.

Allele frequency attached by ClinVar (database versions not stated): gnomAD exomes below 0.00001.
gnomAD v4.1: 1 of 1,614,184 alleles (0.000062%); highest among the groups gnomAD compares: Non-Finnish European, 0.000085%; no homozygotes.

Submissions (2):

Labcorp Genetics (formerly Invitae), Labcorp
Classification: Uncertain significance for Benign neonatal seizures. Last evaluated: 2025-08-29. Review status: criteria provided, single submitter. Criteria: Invitae Variant Classification Sherloc (09022015). Collection method: clinical testing. Allele origin: germline.
Comment: This sequence change replaces arginine, which is basic and polar, with tryptophan, which is neutral and slightly polar, at codon 242 of the KCNQ3 protein (p.Arg242Trp). This variant is not present in population databases (gnomAD no frequency). This variant has not been reported in the literature in individuals affected with KCNQ3-related conditions. ClinVar contains an entry for this variant (Variation ID: 1376796). Invitae Evidence Modeling of protein sequence and biophysical properties (such as structural, functional, and spatial information, amino acid conservation, physicochemical variation, residue mobility, and thermodynamic stability) indicates that this missense variant is expected to disrupt KCNQ3 protein function with a positive predictive value of 80%. In summary, the available evidence is currently insufficient to determine the role of this variant in disease. Therefore, it has been classified as a Variant of Uncertain Significance.

GeneDx
Classification: Uncertain significance. Last evaluated: 2025-06-11. Review status: criteria provided, single submitter. Criteria: GeneDx Variant Classification Process June 2021. Collection method: clinical testing. Allele origin: germline. Affected: yes.
Comment: Not observed at significant frequency in large population cohorts (gnomAD); In silico analysis supports that this missense variant has a deleterious effect on protein structure/function; Has not been previously published as pathogenic or benign to our knowledge

NM_004519.4(KCNQ3):c.724C>T (p.Arg242Trp)

Gene: KCNQ3 (potassium voltage-gated channel subfamily Q member 3; minus strand). Cytogenetic location: 8q24.22.
Variant type: single nucleotide variant.
Coding change: c.724C>T on transcript NM_004519.4 (MANE Select); coding-DNA position 724, C replaced by T.
Protein change: p.Arg242Trp; replaces arginine 242 with tryptophan.
Molecular consequence: missense variant.
Genome position (GRCh38, 1-based): chr8:132,180,210, G>A on the plus strand (C>T on the coding strand, the complement: KCNQ3 is on the minus strand). VCF-style: chr8-132180210-G-A. GRCh37 (hg19) VCF-style: chr8-133192457-G-A.
Other names: c.724C>T (NM_004519.3); c.364C>T, p.Arg122Trp (NM_001204824.2); short protein forms R122W, R242W.
Identifiers: ClinVar variation 1376796 (VCV001376796.9), dbSNP rs2130156583, ClinGen allele CA372290764.